The following is an entry in ClinVar:

ClinVar aggregate classification (germline): Uncertain significance (1 of 4 stars; one submission).

Conditions:
Nephronophthisis. Also called: Juvenile Nephronophthisis. Identifiers: Orphanet 655, MedGen C0687120, MONDO:0019005, HP:0000090.

Allele frequency attached by ClinVar (database versions not stated): gnomAD exomes below 0.00001.
gnomAD v4.1: 2 of 1,613,888 alleles (0.00012%); highest among the groups gnomAD compares: South Asian, 0.0022%; no homozygotes.

Submission:

Labcorp Genetics (formerly Invitae), Labcorp
Classification: Uncertain significance for Nephronophthisis. Last evaluated: 2019-11-19. Review status: criteria provided, single submitter. Criteria: Invitae Variant Classification Sherloc (09022015). Collection method: clinical testing. Allele origin: germline.
Comment: In summary, the available evidence is currently insufficient to determine the role of this variant in disease. Therefore, it has been classified as a Variant of Uncertain Significance. Algorithms developed to predict the effect of missense changes on protein structure and function output the following: SIFT: "Tolerated"; PolyPhen-2: "Benign"; Align-GVGD: "Class C0". The leucine amino acid residue is found in multiple mammalian species, suggesting that this missense change does not adversely affect protein function. These predictions have not been confirmed by published functional studies and their clinical significance is uncertain. This variant has not been reported in the literature in individuals with NPHP1-related conditions. This variant is not present in population databases (ExAC no frequency). This sequence change replaces phenylalanine with leucine at codon 648 of the NPHP1 protein (p.Phe648Leu). The phenylalanine residue is moderately conserved and there is a small physicochemical difference between phenylalanine and leucine.

NM_001128178.3(NPHP1):c.1774T>C (p.Phe592Leu)

Gene: NPHP1 (nephrocystin 1; minus strand). Cytogenetic location: 2q13.
Variant type: single nucleotide variant.
Coding change: c.1774T>C on transcript NM_001128178.3 (MANE Select); coding-DNA position 1774, T replaced by C.
Protein change: p.Phe592Leu; replaces phenylalanine 592 with leucine.
Molecular consequence: missense variant. On other transcripts: 3 prime UTR variant (1).
Genome position (GRCh38, 1-based): chr2:110,124,051, A>G on the plus strand (T>C on the coding strand, the complement: NPHP1 is on the minus strand). VCF-style: chr2-110124051-A-G. GRCh37 (hg19) VCF-style: chr2-110881628-A-G.
Other names: c.1942T>C, p.Phe648Leu (NM_000272.5); c.1585T>C, p.Phe529Leu (NM_001128179.3); c.1771T>C, p.Phe591Leu (NM_001374256.1); c.*16T>C (NM_001374257.1); c.1939T>C, p.Phe647Leu (NM_207181.4); short protein forms F592L, F648L, F529L, F591L, F647L.
Identifiers: ClinVar variation 843114 (VCV000843114.7), dbSNP rs1679177926, ClinGen allele CA348086353.